The following is an entry in ClinVar:

ClinVar aggregate classification (germline): Uncertain significance (1 of 4 stars; one submission).

Conditions:
Long QT syndrome (LQTS). Identifiers: MedGen C0023976, MeSH D008133, MONDO:0002442. Disease mechanism: loss of function. Inheritance: Various modes of inheritance.

Allele frequency attached by ClinVar (database versions not stated): TOPMed 0.00001.
gnomAD v4.1: 10 of 1,614,006 alleles (0.00062%); highest among the groups gnomAD compares: Middle Eastern, 0.016%; no homozygotes.

Submission:

Labcorp Genetics (formerly Invitae), Labcorp
Classification: Uncertain significance for Long QT syndrome. Last evaluated: 2019-02-14. Review status: criteria provided, single submitter. Criteria: Invitae Variant Classification Sherloc (09022015). Collection method: clinical testing. Allele origin: germline.
Comment: This variant has not been reported in the literature in individuals with ANK2-related conditions. This variant is not present in population databases (ExAC no frequency). This sequence change replaces arginine with cysteine at codon 3942 of the ANK2 protein (p.Arg3942Cys). The arginine residue is highly conserved and there is a large physicochemical difference between arginine and cysteine. Algorithms developed to predict the effect of missense changes on protein structure and function are either unavailable or do not agree on the potential impact of this missense change (SIFT: "Deleterious"; PolyPhen-2: "Probably Damaging"; Align-GVGD: "Class C15"). In summary, the available evidence is currently insufficient to determine the role of this variant in disease. Therefore, it has been classified as a Variant of Uncertain Significance. Algorithms developed to predict the effect of sequence changes on RNA splicing suggest that this variant may create or strengthen a splice site, but this prediction has not been confirmed by published transcriptional studies.

NM_001148.6(ANK2):c.11824C>T (p.Arg3942Cys)

Gene: ANK2 (ankyrin 2; plus strand). Cytogenetic location: 4q26.
Variant type: single nucleotide variant.
Coding change: c.11824C>T on transcript NM_001148.6 (MANE Select); coding-DNA position 11824, C replaced by T.
Protein change: p.Arg3942Cys; replaces arginine 3942 with cysteine.
Molecular consequence: missense variant. On other transcripts: intron variant (9).
Genome position (GRCh38, 1-based): chr4:113,373,414, C>T. VCF-style: chr4-113373414-C-T. GRCh37 (hg19) VCF-style: chr4-114294570-C-T.
Other names: c.5542C>T, p.Arg1848Cys (NM_001127493.3); c.5581C>T, p.Arg1861Cys (NM_001354225.2); c.5563C>T, p.Arg1855Cys (NM_001354228.2); c.5548C>T, p.Arg1850Cys (NM_001354230.2); c.5704C>T, p.Arg1902Cys (NM_001354231.2); c.5698C>T, p.Arg1900Cys (NM_001354232.2); c.5659C>T, p.Arg1887Cys (NM_001354235.2); c.5467C>T, p.Arg1823Cys (NM_001354236.2); and 50 more; short protein forms R1770C, R1836C, R1847C, R1850C, R1855C, R1887C, R1040C, R1757C.
Identifiers: ClinVar variation 839171 (VCV000839171.6), dbSNP rs1344245343, ClinGen allele CA357943799.
Genomic context (GRCh38, chr4:113,373,414, plus strand): 5'-GGAATGCCACAGGAACCTGTCAACATCGAGGAAGGGGATGGCTATTCCAAAGTTATAAAG[C>T]GTGTTGTATTGAAGAGTGACACCGAGCAGTCAGAGGTGAGACAACCTGATTCTCTAAAAC-3'
Protein context (NP_001139.3, residues 3932-3952): EGDGYSKVIK[Arg3942Cys]VVLKSDTEQS